The following is an entry in ClinVar:

ClinVar aggregate classification (germline): Benign (3 of 4 stars; one submission).

Conditions:
Breast-ovarian cancer, familial, susceptibility to, 2 (BROVCA2). Also called: BRCA2 Hereditary Breast and Ovarian Cancer. Identifiers: Orphanet 145, MedGen C2675520, MONDO:0012933, OMIM 612555. Disease mechanism: loss of function.

Allele frequency attached by ClinVar (database versions not stated): gnomAD 0.00048 and 0.00063; TOPMed 0.00082; 1000 Genomes Project 30x 0.00406; 1000 Genomes Project 0.00419.
gnomAD v4.1: 531 of 783,552 alleles (0.068%); highest among the groups gnomAD compares: East Asian, 1.3%; 7 homozygotes.

Submission:

Evidence-based Network for the Interpretation of Germline Mutant Alleles (ENIGMA)
Classification: Benign for Breast-ovarian cancer, familial 2. Last evaluated: 2015-01-12. Review status: reviewed by expert panel. Criteria: ENIGMA BRCA1/2 Classification Criteria (2015). Collection method: curation. Allele origin: germline.
Comment: Class 1 not pathogenic based on frequency >1% in an outbred sampleset. Frequency 0.01049 (Asian), derived from 1000 genomes (2012-04-30).

NM_000059.4(BRCA2):c.793+105C>T

Gene: BRCA2 (BRCA2 DNA repair associated; plus strand). Cytogenetic location: 13q13.1.
Variant type: single nucleotide variant.
Coding change: c.793+105C>T on transcript NM_000059.4 (MANE Select); 105 bases into the intron after coding-DNA position 793, C replaced by T.
Molecular consequence: intron variant.
Genome position (GRCh38, 1-based): chr13:32,331,135, C>T. VCF-style: chr13-32331135-C-T. GRCh37 (hg19) VCF-style: chr13-32905272-C-T.
Other names: IVS 9+105C>T.
Identifiers: ClinVar variation 209668 (VCV000209668.1), dbSNP rs139877528, ClinGen allele CA276637.